The following is an entry in ClinVar:

NM_004380.3(CREBBP):c.6161C>T (p.Pro2054Leu)

Gene: CREBBP (CREB binding lysine acetyltransferase; minus strand). Cytogenetic location: 16p13.3.
Variant type: single nucleotide variant.
Coding change: c.6161C>T on transcript NM_004380.3 (MANE Select); coding-DNA position 6161, C replaced by T.
Protein change: p.Pro2054Leu; replaces proline 2054 with leucine.
Molecular consequence: missense variant.
Genome position (GRCh38, 1-based): chr16:3,728,886, G>A on the plus strand (C>T on the coding strand, the complement: CREBBP is on the minus strand). VCF-style: chr16-3728886-G-A. GRCh37 (hg19) VCF-style: chr16-3778887-G-A.
Other names: c.6047C>T, p.Pro2016Leu (NM_001079846.1); short protein forms P2016L, P2054L.
Identifiers: ClinVar variation 2213598 (VCV002213598.3), dbSNP rs2151305787, ClinGen allele CA394554016.

ClinVar aggregate classification (germline): Uncertain significance. Review status: criteria provided, multiple submitters, no conflicts (2 of 4 stars). 2 submissions from 2 submitters: Uncertain significance (2). Last evaluated 2026-04-20.

Conditions:
CREBBP-related disorder. Also called: CREBBP-related condition; CREBBP-related disorders.
Inborn genetic diseases. Identifiers: MedGen C0950123, MeSH D030342.

Submissions (2):

PreventionGenetics, part of Exact Sciences
Classification: Uncertain significance for CREBBP-related condition. Last evaluated: 2026-04-20. Review status: criteria provided, single submitter. Criteria: ACMG Guidelines, 2015. Collection method: clinical testing. Allele origin: germline.
Comment: The CREBBP c.6161C>T variant is predicted to result in the amino acid substitution p.Pro2054Leu. To our knowledge, this variant has not been reported in the literature or in a large population database (gnomAD), indicating this variant is rare. At this time, the clinical significance of this variant is uncertain due to the absence of conclusive functional and genetic evidence.

Ambry Genetics
Classification: Uncertain significance for Inborn genetic diseases. Last evaluated: 2021-12-07. Review status: criteria provided, single submitter. Criteria: Ambry Variant Classification Scheme 2023. Collection method: clinical testing. Allele origin: germline.